The following is an entry in ClinVar:

ClinVar aggregate classification (germline): Uncertain significance. Review status: criteria provided, multiple submitters, no conflicts (2 of 4 stars). 2 submissions from 2 submitters: Uncertain significance (2). Last evaluated 2022-12-28.

Conditions:
Wilson-Turner syndrome (WTS). Also called: INTELLECTUAL DEVELOPMENTAL DISORDER, X-LINKED, SYNDROMIC, WILSON-TURNER TYPE; MENTAL RETARDATION, X-LINKED, SYNDROMIC 6. Identifiers: Orphanet 3459, MedGen C1839736, MONDO:0010665, OMIM 309585.

gnomAD v4.1: 3 of 1,211,685 alleles (0.00025%); highest among the groups gnomAD compares: Non-Finnish European, 0.00034%; no homozygotes.

Submissions (2):

GeneDx
Classification: Uncertain significance. Last evaluated: 2022-12-28. Review status: criteria provided, single submitter. Criteria: GeneDx Variant Classification Process June 2021. Collection method: clinical testing. Allele origin: germline. Affected: yes.
Comment: Not observed at significant frequency in large population cohorts (gnomAD); In silico analysis supports that this missense variant does not alter protein structure/function; Has not been previously published as pathogenic or benign to our knowledge

Victorian Clinical Genetics Services, Murdoch Childrens Research Institute
Classification: Uncertain significance for Wilson-Turner syndrome. Last evaluated: 2020-10-19. Review status: criteria provided, single submitter. Criteria: ACMG Guidelines, 2015. Collection method: clinical testing. Allele origin: germline. Inheritance: X-linked recessive inheritance. Affected: yes.
Comment: Based on the classification scheme VCGS_Germline_v1.3.3, this variant is classified as 3B-VUS. Following criteria are met: 0102 - Loss of function is a suspected mechanism of disease in this gene and is associated with Wilson-Turner syndrome (MIM#309585). (I) 0109 - This gene is associated with X-linked recessive disease. (I) 0200 - Variant is predicted to result in a missense amino acid change from proline to histidine. (I) 0253 - This variant is hemizygous. (I) 0301 - Variant is absent from gnomAD (both v2 and v3). (SP) 0503 - Missense variant consistently predicted to be tolerated by multiple in silico tools or not conserved in placental mammals with a minor amino acid change. (SB) 0604 - Variant is not located in an established domain, motif, hotspot or informative constraint region. (I) 0710 - Another missense variant comparable to the one identified in this case has inconclusive previous evidence for pathogenicity. An alternative change to alanine at the same residue has previously been classified as a VUS (ClinVar). (I) 0807 - This variant has no previous evidence of pathogenicity. (I) 0905 - No published segregation evidence has been identified for this variant. (I) 1007 - No published functional evidence has been identified for this variant. (I) Legend: (SP) - Supporting pathogenic, (I) - Information, (SB) - Supporting benign

NM_031206.7(LAS1L):c.1571C>A (p.Pro524His)

Gene: LAS1L (LAS1 like ribosome biogenesis factor; minus strand). Cytogenetic location: Xq12.
Variant type: single nucleotide variant.
Coding change: c.1571C>A on transcript NM_031206.7 (MANE Select); coding-DNA position 1571, C replaced by A.
Protein change: p.Pro524His; replaces proline 524 with histidine.
Molecular consequence: missense variant. On other transcripts: non-coding transcript variant (1).
Genome position (GRCh38, 1-based): chrX:65,518,343, G>T on the plus strand (C>A on the coding strand, the complement: LAS1L is on the minus strand). VCF-style: chrX-65518343-G-T. GRCh37 (hg19) VCF-style: chrX-64738223-G-T.
Other names: c.1520C>A, p.Pro507His (NM_001170649.2, NM_001375333.1); c.1394C>A, p.Pro465His (NM_001170650.2); c.1571C>A, p.Pro524His (NM_001375328.1); c.614C>A, p.Pro205His (NM_001375332.1); short protein forms P205H, P465H, P507H, P524H.
Identifiers: ClinVar variation 1806335 (VCV001806335.2), dbSNP rs2522504703, ClinGen allele CA413315526.
Genomic context (GRCh38, chrX:65,518,343, plus strand): 5'-GAGCTGGCTGGCTTGACGCTCCAATACAGGCTGTCTAGTGTATATGGAGACTTCCCAATG[G>T]GGGAGGCCTCAGAGCCCTCCTGCACCAGGCTGTTTTCTCCACTCTGGGTATAAATGGAAC-3'
Protein context (NP_112483.1, residues 514-534): SLVQEGSEAS[Pro524His]IGKSPYTLDS